The following is an entry in ClinVar:

NM_003059.3(SLC22A4):c.431T>C (p.Leu144Pro)

Genes: MIR3936HG (MIR3936 host gene; minus strand), SLC22A4 (solute carrier family 22 member 4; plus strand). Cytogenetic location: 5q31.1.
Variant type: single nucleotide variant.
Coding change: c.431T>C on transcript NM_003059.3 (MANE Select); coding-DNA position 431, T replaced by C.
Protein change: p.Leu144Pro; replaces leucine 144 with proline.
Molecular consequence: missense variant. On other transcripts: non-coding transcript variant (1).
Genome position (GRCh38, 1-based): chr5:132,312,198, T>C. VCF-style: chr5-132312198-T-C. GRCh37 (hg19) VCF-style: chr5-131647891-T-C.
Other names: short protein forms L144P.
Identifiers: ClinVar variation 2831959 (VCV002831959.3), dbSNP rs2531992915, ClinGen allele CA360803064.
Genomic context (GRCh38, chr5:132,312,198, plus strand): 5'-CTTCATGCTGTCTTCCTTGGCAGTGGAATCTGGTGTGTGAGGACAACTGGAAGGTGCCCC[T>C]CACCACCTCCCTGTTCTTCGTAGGCGTGCTCCTCGGCTCCTTCGTGTCCGGGCAGCTGTC-3'
Protein context (NP_003050.2, residues 134-154): LVCEDNWKVP[Leu144Pro]TTSLFFVGVL

ClinVar aggregate classification (germline): Uncertain significance (1 of 4 stars; one submission).

Submission:

Labcorp Genetics (formerly Invitae), Labcorp
Classification: Uncertain significance. Last evaluated: 2023-08-04. Review status: criteria provided, single submitter. Criteria: Invitae Variant Classification Sherloc (09022015). Collection method: clinical testing. Allele origin: germline.
Comment: This variant is not present in population databases (gnomAD no frequency). In summary, the available evidence is currently insufficient to determine the role of this variant in disease. Therefore, it has been classified as a Variant of Uncertain Significance. Algorithms developed to predict the effect of sequence changes on RNA splicing suggest that this variant may disrupt the consensus splice site. Advanced modeling of protein sequence and biophysical properties (such as structural, functional, and spatial information, amino acid conservation, physicochemical variation, residue mobility, and thermodynamic stability) performed at Invitae indicates that this missense variant is expected to disrupt SLC22A4 protein function. This variant has not been reported in the literature in individuals affected with SLC22A4-related conditions. This sequence change replaces leucine, which is neutral and non-polar, with proline, which is neutral and non-polar, at codon 144 of the SLC22A4 protein (p.Leu144Pro).